The following is an entry in ClinVar:

NM_004304.5(ALK):c.2307C>A (p.Asp769Glu)

Gene: ALK (ALK receptor tyrosine kinase; minus strand). Cytogenetic location: 2p23.2.
Variant type: single nucleotide variant.
Coding change: c.2307C>A on transcript NM_004304.5 (MANE Select); coding-DNA position 2307, C replaced by A.
Protein change: p.Asp769Glu; replaces aspartic acid 769 with glutamic acid.
Molecular consequence: missense variant.
Genome position (GRCh38, 1-based): chr2:29,239,728, G>T on the plus strand (C>A on the coding strand, the complement: ALK is on the minus strand). VCF-style: chr2-29239728-G-T. GRCh37 (hg19) VCF-style: chr2-29462594-G-T.
Other names: short protein forms D769E.
Identifiers: ClinVar variation 4273133 (VCV004273133.1).

ClinVar aggregate classification (germline): Uncertain significance (1 of 4 stars; one submission).

Conditions:
Hereditary cancer-predisposing syndrome. Also called: Hereditary Cancer Syndrome; Hereditary neoplastic syndrome; Neoplastic Syndromes, Hereditary; Tumor predisposition. Identifiers: Orphanet 140162, MedGen C0027672, MeSH D009386, MONDO:0015356.

Submission:

Ambry Genetics
Classification: Uncertain significance for Hereditary cancer-predisposing syndrome. Last evaluated: 2025-08-25. Review status: criteria provided, single submitter. Criteria: Ambry Variant Classification Scheme 2023. Collection method: clinical testing. Allele origin: germline.
Comment: The p.D769E variant (also known as c.2307C>A), located in coding exon 13 of the ALK gene, results from a C to A substitution at nucleotide position 2307. The aspartic acid at codon 769 is replaced by glutamic acid, an amino acid with highly similar properties. This amino acid position is conserved. In addition, this alteration is predicted to be tolerated by in silico analysis. Based on the available evidence, the clinical significance of this variant remains unclear.